The following is an entry in ClinVar:

ClinVar aggregate classification (germline): Likely pathogenic (1 of 4 stars; one submission).

Conditions:
Renal hypodysplasia/aplasia 3 (RHDA3). Identifiers: MedGen C4540497, MONDO:0024520, OMIM 617805.

Submission:

MVZ Medizinische Genetik Mainz
Classification: Likely pathogenic for Renal hypodysplasia/aplasia 3. Last evaluated: 2024-07-03. Review status: criteria provided, single submitter. Criteria: UK Practice Guidelines For Variant Classification V4 01 2020. Collection method: clinical testing. Allele origin: germline. Inheritance: Autosomal dominant inheritance. Affected: yes. Observed: 1 variant allele.
Comment: ACMG Criteria: PVS1,PM2_SUP

NM_001142966.3(GREB1L):c.3907del (p.Asp1303fs)

Gene: GREB1L (GREB1 like retinoic acid receptor coactivator; plus strand). Cytogenetic location: 18q11.2.
Variant type: Deletion.
Coding change: c.3907del on transcript NM_001142966.3 (MANE Select); coding-DNA position 3907, one base deleted (G; older notation c.3907delG).
Protein change: p.Asp1303fs; shifts the reading frame from aspartic acid 1303.
Molecular consequence: frameshift variant.
Genome position (GRCh38, 1-based): chr18:21,500,244, G deleted; the last of 2 consecutive G bases (chr18:21,500,243-21,500,244); deleting either gives the same sequence. VCF-style (leftmost placement, unchanged base first): chr18-21500242-TG-T. GRCh37 (hg19) VCF-style: chr18-19080203-TG-T.
Other names: c.4036del, p.Asp1346fs (NM_001410867.1); c.3580del, p.Asp1194fs (NM_001410868.1); short protein forms D1194fs, D1303fs, D1346fs.
Identifiers: ClinVar variation 3256661 (VCV003256661.1).
Genomic context (GRCh38, chr18:21,500,242, plus strand): 5'-CCCTCTACTACAGGCAGTGGACCTTGGCCCGGCAGCACCACGCTGACTATAGCAACCAGC[TG>T]GACCCGGCCTCTGGCACCCGAAACTTCCACCCCCGACGGCTCCTGCTGACAGGGCCCCCA-3'